The following is an entry in ClinVar:

NM_001379286.1(ZNF423):c.3180G>A (p.Ala1060=)

Gene: ZNF423 (zinc finger protein 423; minus strand). Cytogenetic location: 16q12.1.
Variant type: single nucleotide variant.
Coding change: c.3180G>A on transcript NM_001379286.1 (MANE Select); coding-DNA position 3180, G replaced by A.
Protein change: p.Ala1060=; no amino-acid change (alanine 1060 retained).
Molecular consequence: synonymous variant.
Genome position (GRCh38, 1-based): chr16:49,635,996, C>T on the plus strand (G>A on the coding strand, the complement: ZNF423 is on the minus strand). VCF-style: chr16-49635996-C-T. GRCh37 (hg19) VCF-style: chr16-49669907-C-T.
Other names: c.2976G>A, p.Ala992= (NM_001271620.2); c.2805G>A, p.Ala935= (NM_001330533.2); c.3156G>A, p.Ala1052= (NM_015069.5); c.3156G>A (NM_015069.4).
Identifiers: ClinVar variation 473061 (VCV000473061.25), dbSNP rs117592972, ClinGen allele CA8046372.

ClinVar aggregate classification (germline): Benign/Likely benign. Review status: criteria provided, multiple submitters, no conflicts (2 of 4 stars). 4 submissions from 4 submitters: Benign (1); Likely benign (2). 1 of the submissions does not count toward it. Last evaluated 2026-05-01.

Conditions:
ZNF423-related disorder. Also called: ZNF423-related condition.
Nephronophthisis 14 (NPHP14). Identifiers: Orphanet 2318, MedGen C3539071, MONDO:0013916, OMIM 614844.

Allele frequency attached by ClinVar (database versions not stated): gnomAD 0.00048 and 0.00058; ESP Exome Variant Server 0.00054; TOPMed 0.00074; gnomAD exomes 0.00114; ExAC 0.00127; 1000 Genomes Project 30x 0.00141; 1000 Genomes Project 0.00180.
gnomAD v4.1: 1,146 of 1,602,080 alleles (0.072%); highest among the groups gnomAD compares: East Asian, 0.98%; 1 homozygote.

Submissions (4):

CeGaT Center for Human Genetics Tuebingen
Classification: Likely benign. Last evaluated: 2026-05-01. Review status: criteria provided, single submitter. Criteria: CeGaT Center For Human Genetics Tuebingen Variant Classification Criteria Version 2. Collection method: clinical testing. Allele origin: germline. Affected: yes. Observed: 2 variant alleles.
Comment: ZNF423: BP4, BP7

Labcorp Genetics (formerly Invitae), Labcorp
Classification: Benign for Nephronophthisis 14. Last evaluated: 2026-01-22. Review status: criteria provided, single submitter. Criteria: Invitae Variant Classification Sherloc (09022015). Collection method: clinical testing. Allele origin: germline.

Blueprint Genetics
Classification: Likely benign. Last evaluated: 2024-09-21. Review status: criteria provided, single submitter. Criteria: ACMG Guidelines, 2015. Collection method: clinical testing. Allele origin: germline.

PreventionGenetics, part of Exact Sciences
Classification: Benign for ZNF423-related condition. Last evaluated: 2019-06-20. Review status: no assertion criteria provided. Collection method: clinical testing. Allele origin: germline. Not counted in ClinVar's aggregate classification.
Comment: This variant is classified as benign based on ACMG/AMP sequence variant interpretation guidelines (Richards et al. 2015 PMID: 25741868, with internal and published modifications).